The following is an entry in ClinVar:

NM_000455.5(STK11):c.375-9G>T

Gene: STK11 (serine/threonine kinase 11; plus strand). Cytogenetic location: 19p13.3.
Variant type: single nucleotide variant.
Coding change: c.375-9G>T on transcript NM_000455.5 (MANE Select); 9 bases into the intron before coding-DNA position 375, G replaced by T.
Molecular consequence: intron variant.
Genome position (GRCh38, 1-based): chr19:1,219,315, G>T. VCF-style: chr19-1219315-G-T. GRCh37 (hg19) VCF-style: chr19-1219314-G-T.
Identifiers: ClinVar variation 412540 (VCV000412540.13), dbSNP rs1060503782, ClinGen allele CA16616013.

ClinVar aggregate classification (germline): Conflicting classifications of pathogenicity. Review status: criteria provided, conflicting classifications (1 of 4 stars). 3 submissions from 3 submitters: Uncertain significance (1); Likely benign (2). Last evaluated 2025-12-29.

Conditions:
Hereditary cancer-predisposing syndrome. Also called: Hereditary neoplastic syndrome; Neoplastic Syndromes, Hereditary; Tumor predisposition; Hereditary Cancer Syndrome. Identifiers: Orphanet 140162, MedGen C0027672, MeSH D009386, MONDO:0015356.
Peutz-Jeghers syndrome (PJS). Also called: POLYPOSIS, HAMARTOMATOUS INTESTINAL; POLYPS-AND-SPOTS SYNDROME; Peutz-Jeghers polyposis; Periorificial lentiginosis syndrome. Identifiers: Orphanet 2869, MedGen C0031269, MeSH D010580, MONDO:0008280, OMIM 175200.

Allele frequency attached by ClinVar (database versions not stated): gnomAD exomes below 0.00001.
gnomAD v4.1: 5 of 1,576,692 alleles (0.00032%); highest among the groups gnomAD compares: Non-Finnish European, 0.00026%; no homozygotes.

Submissions (3):

Labcorp Genetics (formerly Invitae), Labcorp
Classification: Likely benign for Peutz-Jeghers syndrome. Last evaluated: 2025-12-29. Review status: criteria provided, single submitter. Criteria: Invitae Variant Classification Sherloc (09022015). Collection method: clinical testing. Allele origin: germline.

GeneDx
Classification: Uncertain significance. Last evaluated: 2023-05-11. Review status: criteria provided, single submitter. Criteria: GeneDx Variant Classification Process June 2021. Collection method: clinical testing. Allele origin: germline. Affected: yes.
Comment: Not observed at significant frequency in large population cohorts (gnomAD); Has not been previously published as pathogenic or benign to our knowledge; In silico analysis is inconclusive as to whether the variant alters gene splicing. In the absence of RNA/functional studies, the actual effect of this sequence change is unknown.

Color Diagnostics, LLC DBA Color Health
Classification: Likely benign for Hereditary cancer-predisposing syndrome. Last evaluated: 2021-10-02. Review status: criteria provided, single submitter. Criteria: ACMG Guidelines, 2015. Collection method: clinical testing. Allele origin: germline.